The following is an entry in ClinVar:

ClinVar aggregate classification (germline): Uncertain significance (1 of 4 stars; one submission).

Submission:

Labcorp Genetics (formerly Invitae), Labcorp
Classification: Uncertain significance. Last evaluated: 2023-08-19. Review status: criteria provided, single submitter. Criteria: Invitae Variant Classification Sherloc (09022015). Collection method: clinical testing. Allele origin: unknown.
Comment: This variant has not been reported in the literature in individuals affected with FASTKD2-related conditions. A copy number gain of the genomic region encompassing the full coding sequence of the FASTKD2 gene has been identified. The boundaries of this event are unknown as they extend beyond the assayed region for this gene and therefore may encompass additional genes. As the precise location of this event is unknown, it may be in tandem or it may be located elsewhere in the genome. In summary, the available evidence is currently insufficient to determine the role of this variant in disease. Therefore, it has been classified as a Variant of Uncertain Significance.

NC_000002.11:g.(?_207631418)_(207656526_?)dup

Gene: FASTKD2 (FAST kinase domains 2; plus strand). Cytogenetic location: 2q33.3.
Variant type: Duplication.
Identifiers: ClinVar variation 3247551 (VCV003247551.1).